The following is an entry in ClinVar:

ClinVar aggregate classification (germline): Pathogenic (1 of 4 stars; one submission).

Conditions:
Primary ciliary dyskinesia. Also called: Ciliary dyskinesia. Identifiers: Orphanet 244, MedGen C0008780, MONDO:0016575, HP:0012265.

Allele frequency attached by ClinVar (database versions not stated): gnomAD exomes below 0.00001.
gnomAD v4.1: 20 of 1,612,942 alleles (0.0012%); highest among the groups gnomAD compares: Non-Finnish European, 0.0017%; no homozygotes.

Submission:

Labcorp Genetics (formerly Invitae), Labcorp
Classification: Pathogenic for Primary ciliary dyskinesia. Last evaluated: 2024-03-24. Review status: criteria provided, single submitter. Criteria: Invitae Variant Classification Sherloc (09022015). Collection method: clinical testing. Allele origin: germline.
Comment: This sequence change creates a premature translational stop signal (p.Gln1879*) in the DNAH8 gene. It is expected to result in an absent or disrupted protein product. Loss-of-function variants in DNAH8 are known to be pathogenic (PMID: 24307375, 32619401, 32681648). This variant is present in population databases (no rsID available, gnomAD 0.0009%). This variant has not been reported in the literature in individuals affected with DNAH8-related conditions. ClinVar contains an entry for this variant (Variation ID: 1070746). Algorithms developed to predict the effect of sequence changes on RNA splicing suggest that this variant may disrupt the consensus splice site. For these reasons, this variant has been classified as Pathogenic.

Literature cited by the submitters: PubMed 24307375; PubMed 32619401; PubMed 32681648.

NM_001206927.2(DNAH8):c.5635C>T (p.Gln1879Ter)

Gene: DNAH8 (dynein axonemal heavy chain 8; plus strand). Cytogenetic location: 6p21.2.
Variant type: single nucleotide variant.
Coding change: c.5635C>T on transcript NM_001206927.2 (MANE Select); coding-DNA position 5635, C replaced by T.
Protein change: p.Gln1879Ter; replaces glutamine 1879 with a stop codon.
Molecular consequence: nonsense.
Genome position (GRCh38, 1-based): chr6:38,853,249, C>T. VCF-style: chr6-38853249-C-T. GRCh37 (hg19) VCF-style: chr6-38821025-C-T.
Other names: c.4984C>T, p.Gln1662Ter (NM_001371.4); short protein forms Q1662*, Q1879*.
Identifiers: ClinVar variation 1070746 (VCV001070746.7), dbSNP rs1297488496, ClinGen allele CA364015350.